The following is an entry in ClinVar:

ClinVar aggregate classification (germline): Uncertain significance. Review status: criteria provided, multiple submitters, no conflicts (2 of 4 stars). 2 submissions from 2 submitters: Uncertain significance (2). Last evaluated 2025-01-27.

gnomAD v4.1: 2 of 1,614,184 alleles (0.00012%); highest among the groups gnomAD compares: Non-Finnish European, 0.00017%; no homozygotes.

Submissions (2):

GeneDx
Classification: Uncertain significance. Last evaluated: 2025-01-27. Review status: criteria provided, single submitter. Criteria: GeneDx Variant Classification Process June 2021. Collection method: clinical testing. Allele origin: germline. Affected: yes.
Comment: Not observed at significant frequency in large population cohorts (gnomAD); In silico analysis supports that this missense variant has a deleterious effect on protein structure/function; Has not been previously published as pathogenic or benign to our knowledge

Blueprint Genetics
Classification: Uncertain significance. Last evaluated: 2023-09-01. Review status: criteria provided, single submitter. Criteria: ACMG Guidelines, 2015. Collection method: clinical testing. Allele origin: germline.

NM_024426.6(WT1):c.1076A>G (p.Tyr359Cys)

Gene: WT1 (WT1 transcription factor; minus strand). Cytogenetic location: 11p13.
Variant type: single nucleotide variant.
Coding change: c.1076A>G on transcript NM_024426.6 (MANE Select); coding-DNA position 1076, A replaced by G.
Protein change: p.Tyr359Cys; replaces tyrosine 359 with cysteine.
Molecular consequence: missense variant. On other transcripts: 5 prime UTR variant (1), non-coding transcript variant (2).
Genome position (GRCh38, 1-based): chr11:32,399,985, T>C on the plus strand (A>G on the coding strand, the complement: WT1 is on the minus strand). VCF-style: chr11-32399985-T-C. GRCh37 (hg19) VCF-style: chr11-32421531-T-C.
Other names: c.1025A>G, p.Tyr342Cys (NM_000378.6, NM_001407045.1, NM_001407048.1 and 1 more transcripts); c.425A>G, p.Tyr142Cys (NM_001198551.2); c.374A>G, p.Tyr125Cys (NM_001198552.2); c.-113A>G (NM_001367854.1); c.1070A>G, p.Tyr357Cys (NM_001407044.1); c.1076A>G, p.Tyr359Cys (NM_001407046.1, NM_024424.5); c.953A>G, p.Tyr318Cys (NM_001407047.1); c.902A>G, p.Tyr301Cys (NM_001407050.1); and 3 more; short protein forms Y105C, Y125C, Y142C, Y269C, Y286C, Y301C, Y318C, Y342C.
Identifiers: ClinVar variation 4071830 (VCV004071830.2).